The following is an entry in ClinVar:

NM_004168.4(SDHA):c.1414_1415delinsAT (p.Glu472Ile)

Gene: SDHA (succinate dehydrogenase complex flavoprotein subunit A; plus strand). Cytogenetic location: 5p15.33.
Variant type: Indel.
Coding change: c.1414_1415delinsAT on transcript NM_004168.4 (MANE Select); coding-DNA positions 1414 to 1415, GA replaced by AT.
Protein change: p.Glu472Ile; replaces glutamic acid 472 with isoleucine.
Molecular consequence: missense variant.
Genome position (GRCh38, 1-based): chr5:236,581-236,582, GA replaced by AT. VCF-style: chr5-236581-GA-AT. GRCh37 (hg19) VCF-style: chr5-236696-GA-AT.
Other names: c.1270_1271delinsAT, p.Glu424Ile (NM_001294332.2); c.1414_1415delinsAT, p.Glu472Ile (NM_001330758.2); short protein forms E472I, E424I.
Identifiers: ClinVar variation 4785381 (VCV004785381.1).
Genomic context (GRCh38, chr5:236,581, plus strand): 5'-CTCGGGGCAAACTCGCTCTTGGACCTGGTTGTCTTTGGTCGGGCATGTGCCCTGAGCATC[GA>AT]AGAGTCATGCAGGCCTGGTAAGTGTTTTCTTCAGGAGCCAGACTATTTGAGAAGGCGCAG-3'
Protein context (NP_004159.2, residues 462-482): VFGRACALSI[Glu472Ile]ESCRPGDKVP

ClinVar aggregate classification (germline): Uncertain significance (1 of 4 stars; one submission).

Conditions:
Mitochondrial complex II deficiency, nuclear type 1. Also called: SUCCINATE CoQ REDUCTASE DEFICIENCY. Identifiers: Orphanet 3208, MedGen C5700310, MONDO:0100294, OMIM 252011.
Pheochromocytoma/paraganglioma syndrome 5. Also called: Paragangliomas 5; SDHA-Related Hereditary Paraganglioma-Pheochromocytoma Syndrome. Identifiers: Orphanet 29072, MedGen C3279992, MONDO:0013602, OMIM 614165.

Submission:

Labcorp Genetics (formerly Invitae), Labcorp
Classification: Uncertain significance for Pheochromocytoma/paraganglioma syndrome 5; Mitochondrial complex II deficiency, nuclear type 1. Last evaluated: 2025-06-24. Review status: criteria provided, single submitter. Criteria: Invitae Variant Classification Sherloc (09022015). Collection method: clinical testing. Allele origin: germline.
Comment: This sequence change replaces glutamic acid, which is acidic and polar, with isoleucine, which is neutral and non-polar, at codon 472 of the SDHA protein (p.Glu472Ile). Information on the frequency of this variant in the gnomAD database is not available, as this variant may be reported differently in the database. This variant has not been reported in the literature in individuals affected with SDHA-related conditions. An algorithm developed to predict the effect of missense changes on protein structure and function (PolyPhen-2) suggests that this variant is likely to be tolerated. In summary, the available evidence is currently insufficient to determine the role of this variant in disease. Therefore, it has been classified as a Variant of Uncertain Significance.